The following is an entry in ClinVar:

ClinVar aggregate classification (germline): Pathogenic (1 of 4 stars; one submission).

Conditions:
Hereditary cancer-predisposing syndrome. Also called: Neoplastic Syndromes, Hereditary; Tumor predisposition; Hereditary Cancer Syndrome; Hereditary neoplastic syndrome. Identifiers: Orphanet 140162, MedGen C0027672, MeSH D009386, MONDO:0015356.

Submission:

Ambry Genetics
Classification: Pathogenic for Hereditary cancer-predisposing syndrome. Last evaluated: 2022-01-13. Review status: criteria provided, single submitter. Criteria: Ambry Variant Classification Scheme 2023. Collection method: clinical testing. Allele origin: germline.
Comment: The c.1820_1823delGTCT pathogenic mutation, located in coding exon 6 of the BLM gene, results from a deletion of 4 nucleotides at nucleotide positions 1820 to 1823, causing a translational frameshift with a predicted alternate stop codon (p.C607Ffs*10). This variant is considered to be rare based on population cohorts in the Genome Aggregation Database (gnomAD). This alteration is expected to result in loss of function by premature protein truncation or nonsense-mediated mRNA decay. As such, this alteration is interpreted as a disease-causing mutation.

NM_000057.4(BLM):c.1820_1823del (p.Cys607fs)

Gene: BLM (BLM RecQ like helicase; plus strand). Cytogenetic location: 15q26.1.
Variant type: Deletion.
Coding change: c.1820_1823del on transcript NM_000057.4 (MANE Select); coding-DNA positions 1820 to 1823, 4 bases deleted (GTCT; older notation c.1820_1823delGTCT).
Protein change: p.Cys607fs; shifts the reading frame from cysteine 607.
Molecular consequence: frameshift variant.
Genome position (GRCh38, 1-based): chr15:90,761,193-90,761,196, GTCT deleted; deleting any 4 consecutive bases within chr15:90,761,191-90,761,196 gives the same sequence; the c. name uses the placement nearest the transcript's 3' end. VCF-style (leftmost placement, unchanged base first): chr15-90761190-ACTGT-A. GRCh37 (hg19) VCF-style: chr15-91304420-ACTGT-A.
Other names: c.1820_1823del, p.Cys607fs (NM_001287246.2, NM_001287247.2); c.695_698del, p.Cys232fs (NM_001287248.2); short protein forms C232fs, C607fs.
Identifiers: ClinVar variation 1780750 (VCV001780750.2), dbSNP rs2505429412, ClinGen allele CA2580090402.